The following is an entry in ClinVar:

NM_001257291.2(SLC9A7):c.643G>T (p.Ala215Ser)

Gene: SLC9A7 (solute carrier family 9 member A7; minus strand). Cytogenetic location: Xp11.3.
Variant type: single nucleotide variant.
Coding change: c.643G>T on transcript NM_001257291.2 (MANE Select); coding-DNA position 643, G replaced by T.
Protein change: p.Ala215Ser; replaces alanine 215 with serine.
Molecular consequence: missense variant.
Genome position (GRCh38, 1-based): chrX:46,672,588, C>A on the plus strand (G>T on the coding strand, the complement: SLC9A7 is on the minus strand). VCF-style: chrX-46672588-C-A. GRCh37 (hg19) VCF-style: chrX-46532023-C-A.
Other names: c.643G>T, p.Ala215Ser (NM_032591.3); short protein forms A215S.
Identifiers: ClinVar variation 2272914 (VCV002272914.3), dbSNP rs1304139481, ClinGen allele CA413033227.
Genomic context (GRCh38, chrX:46,672,588, plus strand): 5'-TTATATGACAAAGGTTCACTTACCCAATAATGAAGCATGAAACAGCAGTCCCCAAGAAGG[C>A]ATAGGCCAGTATAGATCCAAGATTTCTGAAAAAGTGTCTCTGAATAAAACAAACAAACAA-3'
Protein context (NP_001244220.1, residues 205-225): FRNLGSILAY[Ala215Ser]FLGTAVSCFI

ClinVar aggregate classification (germline): Uncertain significance. Review status: criteria provided, multiple submitters, no conflicts (2 of 4 stars). 2 submissions from 2 submitters: Uncertain significance (2). Last evaluated 2025-02-07.

Allele frequency attached by ClinVar (database versions not stated): gnomAD exomes below 0.00001; gnomAD 0.00004; TOPMed 0.00005.
gnomAD v4.1: 6 of 1,206,097 alleles (0.0005%); highest among the groups gnomAD compares: Admixed American, 0.013%; no homozygotes.

Submissions (2):

Women's Health and Genetics/Laboratory Corporation of America, LabCorp
Classification: Uncertain significance. Last evaluated: 2025-02-07. Review status: criteria provided, single submitter. Criteria: LabCorp Variant Classification Summary - May 2015. Collection method: clinical testing. Allele origin: germline.
Comment: Variant summary: SLC9A7 c.643G>T (p.Ala215Ser) results in a conservative amino acid change located in the Sodium/hydrogen exchanger, transmembrane domain (IPR006153) of the encoded protein sequence. Three of five in-silico tools predict a damaging effect of the variant on protein function. The variant was absent in 180297 control chromosomes. The available data on variant occurrences in the general population are insufficient to allow any conclusion about variant significance. To our knowledge, no occurrence of c.643G>T in individuals affected with Intellectual Developmental Disorder, X-Linked 108 and no experimental evidence demonstrating its impact on protein function have been reported. ClinVar contains an entry for this variant (Variation ID: 2272914). Based on the evidence outlined above, the variant was classified as uncertain significance.

Ambry Genetics
Classification: Uncertain significance. Last evaluated: 2022-01-26. Review status: criteria provided, single submitter. Criteria: Ambry Variant Classification Scheme 2023. Collection method: clinical testing. Allele origin: germline.